The following is an entry in ClinVar:

NM_024685.4(BBS10):c.1590A>C (p.Arg530Ser)

Gene: BBS10 (Bardet-Biedl syndrome 10; minus strand). Cytogenetic location: 12q21.2.
Variant type: single nucleotide variant.
Coding change: c.1590A>C on transcript NM_024685.4 (MANE Select); coding-DNA position 1590, A replaced by C.
Protein change: p.Arg530Ser; replaces arginine 530 with serine.
Molecular consequence: missense variant.
Genome position (GRCh38, 1-based): chr12:76,346,395, T>G on the plus strand (A>C on the coding strand, the complement: BBS10 is on the minus strand). VCF-style: chr12-76346395-T-G. GRCh37 (hg19) VCF-style: chr12-76740175-T-G.
Other names: short protein forms R530S.
Identifiers: ClinVar variation 697194 (VCV000697194.23), dbSNP rs146812823, ClinGen allele CA6694143.

ClinVar aggregate classification (germline): Conflicting classifications of pathogenicity. Review status: criteria provided, conflicting classifications (1 of 4 stars). 7 submissions from 7 submitters: Uncertain significance (2); Likely benign (2). 3 of the submissions do not count toward it. Last evaluated 2026-01-09.

Conditions:
BBS10-related disorder. Also called: BBS10-related condition.
Bardet-Biedl syndrome (BBS). Identifiers: Orphanet 110, MedGen C0752166, MONDO:0015229.
Bardet-Biedl syndrome 10 (BBS10). Identifiers: Orphanet 110, MedGen C1859568, MONDO:0014438, OMIM 615987.

Allele frequency attached by ClinVar (database versions not stated): gnomAD exomes 0.00006 and 0.00012; gnomAD 0.00010; TOPMed 0.00011; ExAC 0.00012; ESP Exome Variant Server 0.00015.
gnomAD v4.1: 111 of 1,614,048 alleles (0.0069%); highest among the groups gnomAD compares: Middle Eastern, 0.016%; no homozygotes.

Submissions (7):

Labcorp Genetics (formerly Invitae), Labcorp
Classification: Likely benign for Bardet-Biedl syndrome. Last evaluated: 2026-01-09. Review status: criteria provided, single submitter. Criteria: Invitae Variant Classification Sherloc (09022015). Collection method: clinical testing. Allele origin: germline.

Fulgent Genetics
Classification: Likely benign for Bardet-Biedl syndrome 10. Last evaluated: 2024-06-05. Review status: criteria provided, single submitter. Criteria: ACMG Guidelines, 2015. Collection method: clinical testing. Allele origin: germline.

New York Genome Center
Classification: Uncertain significance for Bardet-Biedl syndrome 10. Last evaluated: 2023-01-26. Review status: criteria provided, single submitter. Criteria: NYGC Assertion Criteria 2020. Collection method: clinical testing. Allele origin: germline. Observed: 1 heterozygote.

Illumina Laboratory Services, Illumina
Classification: Uncertain significance for Bardet-Biedl syndrome 10. Last evaluated: 2017-04-28. Review status: criteria provided, single submitter. Criteria: ICSL Variant Classification Criteria 13 December 2019. Collection method: clinical testing. Allele origin: germline.
Comment: This variant was observed as part of a predisposition screen in an ostensibly healthy population. A literature search was performed for the gene, cDNA change, and amino acid change (where applicable). Publications were found based on this search. However, the evidence from the literature, in combination with allele frequency data from public databases where available, was not sufficient to rule this variant in or out of causing disease. Therefore, this variant is classified as a variant of unknown significance.

PreventionGenetics, part of Exact Sciences
Classification: Likely benign for BBS10-related condition. Last evaluated: 2020-10-30. Review status: no assertion criteria provided. Collection method: clinical testing. Allele origin: germline. Not counted in ClinVar's aggregate classification.
Comment: This variant is classified as likely benign based on ACMG/AMP sequence variant interpretation guidelines (Richards et al. 2015 PMID: 25741868, with internal and published modifications).

Natera, Inc.
Classification: Likely benign for Bardet-Biedl syndrome type 10. Last evaluated: 2020-01-24. Review status: no assertion criteria provided. Collection method: clinical testing. Allele origin: germline. Not counted in ClinVar's aggregate classification.

Department of Pathology and Laboratory Medicine, Sinai Health System
Classification: Uncertain significance. Review status: no assertion criteria provided. Collection method: clinical testing. Allele origin: unknown. Affected: yes. Study: The Canadian Open Genetics Repository (COGR). Not counted in ClinVar's aggregate classification.
Comment: The BBS10 p.R530S variant was identified in the literature in 1 of 132 patients with Bardet Biedl syndrome who also carried a BBS12 p.V503M variant (Janssen_2011_PMID:21052717). The variant was identified in dbSNP (ID: rs146812823) and ClinVar (classified as likely benign by Invitae). The variant was identified in control databases in 32 of 282760 chromosomes at a frequency of 0.0001132 (Genome Aggregation Database March 6, 2019, v2.1.1). The variant was observed in the following populations: Ashkenazi Jewish in 26 of 10368 chromosomes (freq: 0.002508), South Asian in 1 of 30610 chromosomes (freq: 0.000033), European (non-Finnish) in 4 of 129080 chromosomes (freq: 0.000031) and Latino in 1 of 35438 chromosomes (freq: 0.000028), but was not observed in the African, East Asian, European (Finnish), or Other populations. The p.R530 residue is not conserved in mammals and computational analyses (PolyPhen-2, SIFT, MutationTaster, Revel, FATHMM, MetaLR, DANN) do not suggest a high likelihood of impact to the protein; however, this information is not predictive enough to rule out pathogenicity. The variant occurs outside of the splicing consensus sequence and in silico or computational prediction software programs (Splice AI exome) do not predict a difference in splicing. In summary, based on the above information the clinical significance of this variant cannot be determined with certainty at this time. This variant is classified as a variant of uncertain significance.

Literature cited by the submitters: PubMed 21052717 (cited by Illumina Laboratory Services, Illumina).